The following is an entry in ClinVar:

NM_001366385.1(CARD14):c.617G>A (p.Ser206Asn)

Gene: CARD14 (caspase recruitment domain family member 14; plus strand). Cytogenetic location: 17q25.3.
Variant type: single nucleotide variant.
Coding change: c.617G>A on transcript NM_001366385.1 (MANE Select); coding-DNA position 617, G replaced by A.
Protein change: p.Ser206Asn; replaces serine 206 with asparagine.
Molecular consequence: missense variant. On other transcripts: non-coding transcript variant (1).
Genome position (GRCh38, 1-based): chr17:80,184,180, G>A. VCF-style: chr17-80184180-G-A. GRCh37 (hg19) VCF-style: chr17-78157979-G-A.
Other names: c.617G>A (NM_024110.3); c.617G>A, p.Ser206Asn (NM_001257970.1, NM_024110.4); short protein forms S206N.
Identifiers: ClinVar variation 3763784 (VCV003763784.3).
Genomic context (GRCh38, chr17:80,184,180, plus strand): 5'-CACACTTCCATGAGGTGCTGAGGCTGAAGGACGAGATGCTCAGCCTCTCGCTGCACTATA[G>A]CAATGCGCTGCAGGAGAAGGAGCTGGCCGCCTCACGCTGCCGCAGCCTGCAGGAGGAGGT-3'
Protein context (NP_001353314.1, residues 196-216): DEMLSLSLHY[Ser206Asn]NALQEKELAA

ClinVar aggregate classification (germline): Uncertain significance. Review status: criteria provided, multiple submitters, no conflicts (2 of 4 stars). 2 submissions from 2 submitters: Uncertain significance (2). Last evaluated 2025-06-30.

Conditions:
Pityriasis rubra pilaris (PRP). Also called: Pityriasis rubra pilaris--familial type. Identifiers: Orphanet 2897, MedGen C0032027, MONDO:0100017, OMIM 173200, MONDO:0008251.
Psoriasis 2. Identifiers: MedGen C1864497, MONDO:0011269, OMIM 602723.
Inborn genetic diseases. Identifiers: MedGen C0950123, MeSH D030342.

Submissions (2):

Ambry Genetics
Classification: Uncertain significance for Inborn genetic diseases. Last evaluated: 2025-06-30. Review status: criteria provided, single submitter. Criteria: Ambry Variant Classification Scheme 2023. Collection method: clinical testing. Allele origin: germline.

Labcorp Genetics (formerly Invitae), Labcorp
Classification: Uncertain significance for Pityriasis rubra pilaris; Psoriasis 2. Last evaluated: 2024-10-28. Review status: criteria provided, single submitter. Criteria: Invitae Variant Classification Sherloc (09022015). Collection method: clinical testing. Allele origin: germline.
Comment: This sequence change replaces serine, which is neutral and polar, with asparagine, which is neutral and polar, at codon 206 of the CARD14 protein (p.Ser206Asn). The frequency data for this variant in the population databases is considered unreliable, as metrics indicate poor data quality at this position in the gnomAD database. This variant has not been reported in the literature in individuals affected with CARD14-related conditions. Invitae Evidence Modeling of protein sequence and biophysical properties (such as structural, functional, and spatial information, amino acid conservation, physicochemical variation, residue mobility, and thermodynamic stability) indicates that this missense variant is not expected to disrupt CARD14 protein function with a negative predictive value of 95%. In summary, the available evidence is currently insufficient to determine the role of this variant in disease. Therefore, it has been classified as a Variant of Uncertain Significance.